The following is an entry in ClinVar:

ClinVar aggregate classification (germline): Uncertain significance. Review status: criteria provided, multiple submitters, no conflicts (2 of 4 stars). 2 submissions from 2 submitters: Uncertain significance (2). Last evaluated 2024-03-20.

Conditions:
Inborn genetic diseases. Identifiers: MedGen C0950123, MeSH D030342.
Hereditary spastic paraplegia 11. Also called: SPASTIC PARAPLEGIA, AUTOSOMAL RECESSIVE, COMPLICATED, WITH THIN CORPUS CALLOSUM; SPASTIC PARAPLEGIA, AUTOSOMAL RECESSIVE, WITH MENTAL IMPAIRMENT AND THIN CORPUS CALLOSUM; Spastic paraplegia, mental retardation and thin corpus callosum; Nakamura Osame syndrome; Autosomal recessive hereditary spastic paraplegia, mental impairment, and thin corpus callosum; Spastic Paraplegia 11. Identifiers: Orphanet 2822, MedGen C1858479, MONDO:0011445, OMIM 604360.

Allele frequency attached by ClinVar (database versions not stated): gnomAD 0.00001; gnomAD exomes 0.00001 and 0.00002; TOPMed 0.00001; ExAC 0.00002; 1000 Genomes Project 30x 0.00031; 1000 Genomes Project 0.00040.
gnomAD v4.1: 22 of 1,614,172 alleles (0.0014%); highest among the groups gnomAD compares: East Asian, 0.016%; no homozygotes.

Submissions (2):

Ambry Genetics
Classification: Uncertain significance for Inborn genetic diseases. Last evaluated: 2024-03-20. Review status: criteria provided, single submitter. Criteria: Ambry Variant Classification Scheme 2023. Collection method: clinical testing. Allele origin: germline.

Labcorp Genetics (formerly Invitae), Labcorp
Classification: Uncertain significance for Hereditary spastic paraplegia 11. Last evaluated: 2022-08-09. Review status: criteria provided, single submitter. Criteria: Invitae Variant Classification Sherloc (09022015). Collection method: clinical testing. Allele origin: germline.
Comment: This sequence change replaces tyrosine, which is neutral and polar, with cysteine, which is neutral and slightly polar, at codon 323 of the SPG11 protein (p.Tyr323Cys). This variant is present in population databases (rs190718076, gnomAD 0.02%). This variant has not been reported in the literature in individuals affected with SPG11-related conditions. ClinVar contains an entry for this variant (Variation ID: 860873). Algorithms developed to predict the effect of missense changes on protein structure and function are either unavailable or do not agree on the potential impact of this missense change (SIFT: "Deleterious"; PolyPhen-2: "Possibly Damaging"; Align-GVGD: "Class C0"). In summary, the available evidence is currently insufficient to determine the role of this variant in disease. Therefore, it has been classified as a Variant of Uncertain Significance.

NM_025137.4(SPG11):c.968A>G (p.Tyr323Cys)

Gene: SPG11 (SPG11 vesicle trafficking associated, spatacsin; minus strand). Cytogenetic location: 15q21.1.
Variant type: single nucleotide variant.
Coding change: c.968A>G on transcript NM_025137.4 (MANE Select); coding-DNA position 968, A replaced by G.
Protein change: p.Tyr323Cys; replaces tyrosine 323 with cysteine.
Molecular consequence: missense variant.
Genome position (GRCh38, 1-based): chr15:44,652,168, T>C on the plus strand (A>G on the coding strand, the complement: SPG11 is on the minus strand). VCF-style: chr15-44652168-T-C. GRCh37 (hg19) VCF-style: chr15-44944366-T-C.
Other names: c.968A>G, p.Tyr323Cys (NM_001160227.2); short protein forms Y323C.
Identifiers: ClinVar variation 860873 (VCV000860873.8), dbSNP rs190718076, ClinGen allele CA7535666.